The following is an entry in ClinVar:

ClinVar aggregate classification (germline): Uncertain significance. Review status: criteria provided, multiple submitters, no conflicts (2 of 4 stars). 3 submissions from 3 submitters: Uncertain significance (3). Last evaluated 2025-08-25.

Conditions:
Hereditary cancer-predisposing syndrome. Also called: Hereditary Cancer Syndrome; Hereditary neoplastic syndrome; Neoplastic Syndromes, Hereditary; Tumor predisposition. Identifiers: Orphanet 140162, MedGen C0027672, MeSH D009386, MONDO:0015356.
Tuberous sclerosis 1 (TSC1). Identifiers: Orphanet 805, MedGen C1854465, MONDO:0008612, OMIM 191100.

Submissions (3):

Labcorp Genetics (formerly Invitae), Labcorp
Classification: Uncertain significance for Tuberous sclerosis 1. Last evaluated: 2025-08-25. Review status: criteria provided, single submitter. Criteria: Invitae Variant Classification Sherloc (09022015). Collection method: clinical testing. Allele origin: germline.
Comment: This sequence change replaces lysine, which is basic and polar, with arginine, which is basic and polar, at codon 167 of the TSC1 protein (p.Lys167Arg). This variant is not present in population databases (gnomAD no frequency). This variant has not been reported in the literature in individuals affected with TSC1-related conditions. ClinVar contains an entry for this variant (Variation ID: 3630320). Invitae Evidence Modeling of protein sequence and biophysical properties (such as structural, functional, and spatial information, amino acid conservation, physicochemical variation, residue mobility, and thermodynamic stability) indicates that this missense variant is not expected to disrupt TSC1 protein function with a negative predictive value of 95%. In summary, the available evidence is currently insufficient to determine the role of this variant in disease. Therefore, it has been classified as a Variant of Uncertain Significance.

Ambry Genetics
Classification: Uncertain significance for Hereditary cancer-predisposing syndrome. Last evaluated: 2025-07-15. Review status: criteria provided, single submitter. Criteria: Ambry Variant Classification Scheme 2023. Collection method: clinical testing. Allele origin: germline.
Comment: The p.K167R variant (also known as c.500A>G), located in coding exon 4 of the TSC1 gene, results from an A to G substitution at nucleotide position 500. The lysine at codon 167 is replaced by arginine, an amino acid with highly similar properties. This amino acid position is conserved. In addition, the in silico prediction for this alteration is inconclusive. Based on the available evidence, the clinical significance of this variant remains unclear.

GeneDx
Classification: Uncertain significance. Last evaluated: 2025-03-10. Review status: criteria provided, single submitter. Criteria: GeneDx Variant Classification Process June 2021. Collection method: clinical testing. Allele origin: germline. Affected: yes.
Comment: Not observed at significant frequency in large population cohorts (gnomAD); In silico analysis indicates that this missense variant does not alter protein structure/function; Has not been previously published as pathogenic or benign to our knowledge

NM_000368.5(TSC1):c.500A>G (p.Lys167Arg)

Gene: TSC1 (TSC complex subunit 1; minus strand). Cytogenetic location: 9q34.13.
Variant type: single nucleotide variant.
Coding change: c.500A>G on transcript NM_000368.5 (MANE Select); coding-DNA position 500, A replaced by G.
Protein change: p.Lys167Arg; replaces lysine 167 with arginine.
Molecular consequence: missense variant. On other transcripts: 5 prime UTR variant (5), non-coding transcript variant (5).
Genome position (GRCh38, 1-based): chr9:132,923,356, T>C on the plus strand (A>G on the coding strand, the complement: TSC1 is on the minus strand). VCF-style: chr9-132923356-T-C. GRCh37 (hg19) VCF-style: chr9-135798743-T-C.
Other names: c.500A>G, p.Lys167Arg (NM_001162426.2, NM_001406592.1, NM_001406593.1 and 16 more transcripts); c.347A>G, p.Lys116Arg (NM_001162427.2, NM_001406610.1, NM_001406611.1 and 2 more transcripts); c.137A>G, p.Lys46Arg (NM_001362177.2, NM_001406614.1, NM_001406615.1 and 10 more transcripts); c.-378A>G (NM_001406626.1, NM_001406627.1, NM_001406628.1); c.-520A>G (NM_001406629.1); c.-594A>G (NM_001406630.1); short protein forms K116R, K167R, K46R.
Identifiers: ClinVar variation 3630320 (VCV003630320.4).